The following is an entry in ClinVar:

NM_015509.4(NECAP1):c.515G>A (p.Gly172Asp)

Gene: NECAP1 (NECAP endocytosis associated 1; plus strand). Cytogenetic location: 12p13.31.
Variant type: single nucleotide variant.
Coding change: c.515G>A on transcript NM_015509.4 (MANE Select); coding-DNA position 515, G replaced by A.
Protein change: p.Gly172Asp; replaces glycine 172 with aspartic acid.
Molecular consequence: missense variant. On other transcripts: non-coding transcript variant (1).
Genome position (GRCh38, 1-based): chr12:8,092,894, G>A. VCF-style: chr12-8092894-G-A. GRCh37 (hg19) VCF-style: chr12-8245490-G-A.
Other names: short protein forms G172D.
Identifiers: ClinVar variation 2131283 (VCV002131283.4), dbSNP rs781756949, ClinGen allele CA6432291.

ClinVar aggregate classification (germline): Uncertain significance (1 of 4 stars; one submission).

Conditions:
Developmental and epileptic encephalopathy, 21 (DEE21). Also called: Early infantile epileptic encephalopathy 21. Identifiers: Orphanet 442835, MedGen C4014430, MONDO:0014360, OMIM 615833.

Allele frequency attached by ClinVar (database versions not stated): ExAC 0.00001.
gnomAD v4.1: 2 of 1,571,246 alleles (0.00013%); highest among the groups gnomAD compares: Admixed American, 0.0019%; no homozygotes.

Submission:

Labcorp Genetics (formerly Invitae), Labcorp
Classification: Uncertain significance for Developmental and epileptic encephalopathy, 21. Last evaluated: 2023-06-29. Review status: criteria provided, single submitter. Criteria: Invitae Variant Classification Sherloc (09022015). Collection method: clinical testing. Allele origin: germline.
Comment: This variant is present in population databases (rs781756949, gnomAD 0.004%). In summary, the available evidence is currently insufficient to determine the role of this variant in disease. Therefore, it has been classified as a Variant of Uncertain Significance. An algorithm developed to predict the effect of missense changes on protein structure and function (PolyPhen-2) suggests that this variant is likely to be tolerated. ClinVar contains an entry for this variant (Variation ID: 2131283). This variant has not been reported in the literature in individuals affected with NECAP1-related conditions. This sequence change replaces glycine, which is neutral and non-polar, with aspartic acid, which is acidic and polar, at codon 172 of the NECAP1 protein (p.Gly172Asp).